The following is an entry in ClinVar:

ClinVar aggregate classification (germline): Likely benign. Review status: criteria provided, single submitter (1 of 4 stars). 2 submissions from 2 submitters: Likely benign (1). 1 of the submissions does not count toward it. Last evaluated 2026-06-10.

Conditions:
MYH14-related disorder. Also called: MYH14-related condition.

Allele frequency attached by ClinVar (database versions not stated): TOPMed 0.00007; gnomAD 0.00007.
gnomAD v4.1: 47 of 1,540,958 alleles (0.0031%); highest among the groups gnomAD compares: Admixed American, 0.026%; no homozygotes.

Submissions (2):

Women's Health and Genetics/Laboratory Corporation of America, LabCorp
Classification: Likely benign. Last evaluated: 2026-06-10. Review status: criteria provided, single submitter. Criteria: LabCorp Variant Classification Summary - May 2015. Collection method: clinical testing. Allele origin: germline.

PreventionGenetics, part of Exact Sciences
Classification: Likely benign for MYH14-related condition. Last evaluated: 2019-08-26. Review status: no assertion criteria provided. Collection method: clinical testing. Allele origin: germline. Not counted in ClinVar's aggregate classification.
Comment: This variant is classified as likely benign based on ACMG/AMP sequence variant interpretation guidelines (Richards et al. 2015 PMID: 25741868, with internal and published modifications).

NM_001145809.2(MYH14):c.5784C>T (p.Asp1928=)

Gene: MYH14 (myosin heavy chain 14; plus strand). Cytogenetic location: 19q13.33.
Variant type: single nucleotide variant.
Coding change: c.5784C>T on transcript NM_001145809.2 (MANE Select); coding-DNA position 5784, C replaced by T.
Protein change: p.Asp1928=; no amino-acid change (aspartic acid 1928 retained).
Molecular consequence: synonymous variant.
Genome position (GRCh38, 1-based): chr19:50,307,154, C>T. VCF-style: chr19-50307154-C-T. GRCh37 (hg19) VCF-style: chr19-50810411-C-T.
Other names: c.5685C>T, p.Asp1895= (NM_001077186.2); c.5661C>T, p.Asp1887= (NM_024729.4).
Identifiers: ClinVar variation 3052697 (VCV003052697.3), dbSNP rs1023617721, ClinGen allele CA309596936.